The following is an entry in ClinVar:

NM_032638.5(GATA2):c.814G>T (p.Gly272Trp)

Gene: GATA2 (GATA binding protein 2; minus strand). Cytogenetic location: 3q21.3.
Variant type: single nucleotide variant.
Coding change: c.814G>T on transcript NM_032638.5 (MANE Select); coding-DNA position 814, G replaced by T.
Protein change: p.Gly272Trp; replaces glycine 272 with tryptophan.
Molecular consequence: missense variant.
Genome position (GRCh38, 1-based): chr3:128,485,784, C>A on the plus strand (G>T on the coding strand, the complement: GATA2 is on the minus strand). VCF-style: chr3-128485784-C-A. GRCh37 (hg19) VCF-style: chr3-128204627-C-A.
Other names: c.814G>T, p.Gly272Trp (NM_001145661.2, NM_001145662.1); short protein forms G272W.
Identifiers: ClinVar variation 3753912 (VCV003753912.3).

ClinVar aggregate classification (germline): Uncertain significance. Review status: criteria provided, multiple submitters, no conflicts (2 of 4 stars). 2 submissions from 2 submitters: Uncertain significance (2). Last evaluated 2026-07-06.

Conditions:
Deafness-lymphedema-leukemia syndrome. Also called: Lymphedema, primary, with myelodysplasia; Emberger syndrome. Identifiers: Orphanet 3226, MedGen C3279664, MONDO:0013540, OMIM 614038.
Monocytopenia with susceptibility to infections. Also called: COMBINED IMMUNODEFICIENCY WITH SUSCEPTIBILITY TO MYCOBACTERIAL, VIRAL, AND FUNGAL INFECTIONS; MONOCYTOPENIA AND MYCOBACTERIAL INFECTION SYNDROME; MONOCYTOPENIA WITH SUSCEPTIBILITY TO MYCOBACTERIAL, FUNGAL, AND PAPILLOMAVIRUS INFECTIONS AND MYELODYSPLASIA; Dendritic cell, monocyte, B lymphocyte, and natural killer lymphocyte deficiency; GATA2 DEFICIENCY; IMMUNODEFICIENCY 21. Identifiers: Orphanet 228423, MedGen C3280030, MONDO:0013607, OMIM 614172.
Inborn genetic diseases. Identifiers: MedGen C0950123, MeSH D030342.

Submissions (2):

Ambry Genetics
Classification: Uncertain significance for Inborn genetic diseases. Last evaluated: 2026-07-06. Review status: criteria provided, single submitter. Criteria: Ambry Variant Classification Scheme 2023. Collection method: clinical testing. Allele origin: germline.
Comment: The p.G272W variant (also known as c.814G>T), located in coding exon 2 of the GATA2 gene, results from a G to T substitution at nucleotide position 814. The glycine at codon 272 is replaced by tryptophan, an amino acid with highly dissimilar properties. This amino acid position is conserved. In addition, this alteration is predicted to be deleterious by in silico analysis. Based on the available evidence, the clinical significance of this variant remains unclear.

Labcorp Genetics (formerly Invitae), Labcorp
Classification: Uncertain significance for Monocytopenia with susceptibility to infections; Deafness-lymphedema-leukemia syndrome. Last evaluated: 2024-10-01. Review status: criteria provided, single submitter. Criteria: Invitae Variant Classification Sherloc (09022015). Collection method: clinical testing. Allele origin: germline.
Comment: This sequence change replaces glycine, which is neutral and non-polar, with tryptophan, which is neutral and slightly polar, at codon 272 of the GATA2 protein (p.Gly272Trp). This variant is not present in population databases (gnomAD no frequency). This variant has not been reported in the literature in individuals affected with GATA2-related conditions. Invitae Evidence Modeling of protein sequence and biophysical properties (such as structural, functional, and spatial information, amino acid conservation, physicochemical variation, residue mobility, and thermodynamic stability) has been performed for this missense variant. However, the output from this modeling did not meet the statistical confidence thresholds required to predict the impact of this variant on GATA2 protein function. In summary, the available evidence is currently insufficient to determine the role of this variant in disease. Therefore, it has been classified as a Variant of Uncertain Significance.